The following is an entry in ClinVar:

ClinVar aggregate classification (germline): Uncertain significance (1 of 4 stars; one submission).

Conditions:
Baller-Gerold syndrome (BGS). Also called: CRANIOSYNOSTOSIS WITH RADIAL DEFECTS. Identifiers: Orphanet 1225, MedGen C0265308, MONDO:0009039, OMIM 218600.

Allele frequency attached by ClinVar (database versions not stated): gnomAD exomes below 0.00001; TOPMed below 0.00001.
gnomAD v4.1: 1 of 1,612,548 alleles (0.000062%); highest among the groups gnomAD compares: African/African-American, 0.0013%; no homozygotes.

Submission:

Labcorp Genetics (formerly Invitae), Labcorp
Classification: Uncertain significance for Baller-Gerold syndrome. Last evaluated: 2021-07-28. Review status: criteria provided, single submitter. Criteria: Invitae Variant Classification Sherloc (09022015). Collection method: clinical testing. Allele origin: germline.
Comment: This variant has not been reported in the literature in individuals affected with RECQL4-related conditions. This variant is not present in population databases (ExAC no frequency). Experimental studies and prediction algorithms are not available or were not evaluated, and the functional significance of this variant is currently unknown. This sequence change replaces arginine with glycine at codon 1158 of the RECQL4 protein (p.Arg1158Gly). The arginine residue is highly conserved and there is a moderate physicochemical difference between arginine and glycine. In summary, the available evidence is currently insufficient to determine the role of this variant in disease. Therefore, it has been classified as a Variant of Uncertain Significance.

NM_004260.4(RECQL4):c.3472A>G (p.Arg1158Gly)

Gene: RECQL4 (RecQ like helicase 4; minus strand). Cytogenetic location: 8q24.3.
Variant type: single nucleotide variant.
Coding change: c.3472A>G on transcript NM_004260.4 (MANE Select); coding-DNA position 3472, A replaced by G.
Protein change: p.Arg1158Gly; replaces arginine 1158 with glycine.
Molecular consequence: missense variant.
Genome position (GRCh38, 1-based): chr8:144,511,711, T>C on the plus strand (A>G on the coding strand, the complement: RECQL4 is on the minus strand). VCF-style: chr8-144511711-T-C. GRCh37 (hg19) VCF-style: chr8-145737094-T-C.
Other names: short protein forms R1158G.
Identifiers: ClinVar variation 1511517 (VCV001511517.6), dbSNP rs1827239771, ClinGen allele CA372666727.
Genomic context (GRCh38, chr8:144,511,711, plus strand): 5'-CTGCAGCGGGTGGGGCCTCCCAGGCCTCACCGATGCCGTGGAAGATGCGGGCCACAGCCC[T>C]GCTGGAGAACTTCTCCTCTGGCCTCAGGGACAGGAACTGGCGGATGTCGCAGCGGACCTG-3'
Protein context (NP_004251.4, residues 1148-1168): SLRPEEKFSS[Arg1158Gly]AVARIFHGIG